The following is an entry in ClinVar:

ClinVar aggregate classification (germline): Uncertain significance. Review status: criteria provided, multiple submitters, no conflicts (2 of 4 stars). 3 submissions from 3 submitters: Uncertain significance (3). Last evaluated 2025-09-10.

Conditions:
Spondylometaphyseal dysplasia - Sutcliffe type. Also called: Sutcliffe type of spondylometaphyseal dysplasia; Sutcliffe SMD; Spondylometaphyseal Dysplasia, Corner Fracture Type; Spondylometaphyseal dysplasia, 'corner fracture' type. Identifiers: Orphanet 93315, MedGen C0432221, MONDO:0008479, OMIM 184255.
Inborn genetic diseases. Identifiers: MedGen C0950123, MeSH D030342.

Allele frequency attached by ClinVar (database versions not stated): gnomAD 0.00001; TOPMed 0.00001; ExAC 0.00002; gnomAD exomes 0.00002.
gnomAD v4.1: 26 of 1,613,826 alleles (0.0016%); highest among the groups gnomAD compares: South Asian, 0.0055%; no homozygotes.

Submissions (3):

Genomic Medicine Center of Excellence, King Faisal Specialist Hospital and Research Centre
Classification: Uncertain significance for Spondylometaphyseal dysplasia - Sutcliffe type. Last evaluated: 2025-09-10. Review status: criteria provided, single submitter. Criteria: ACMG Guidelines, 2015. Collection method: clinical testing. Allele origin: germline.

Labcorp Genetics (formerly Invitae), Labcorp
Classification: Uncertain significance. Last evaluated: 2025-09-07. Review status: criteria provided, single submitter. Criteria: Invitae Variant Classification Sherloc (09022015). Collection method: clinical testing. Allele origin: germline.
Comment: This sequence change replaces proline, which is neutral and non-polar, with leucine, which is neutral and non-polar, at codon 1330 of the FN1 protein (p.Pro1330Leu). This variant is present in population databases (rs778724784, gnomAD 0.003%). This variant has not been reported in the literature in individuals affected with FN1-related conditions. ClinVar contains an entry for this variant (Variation ID: 3095950). An algorithm developed to predict the effect of missense changes on protein structure and function (PolyPhen-2) suggests that this variant is likely to be disruptive. In summary, the available evidence is currently insufficient to determine the role of this variant in disease. Therefore, it has been classified as a Variant of Uncertain Significance.

Ambry Genetics
Classification: Uncertain significance for Inborn genetic diseases. Last evaluated: 2024-02-12. Review status: criteria provided, single submitter. Criteria: Ambry Variant Classification Scheme 2023. Collection method: clinical testing. Allele origin: germline.

NM_212482.4(FN1):c.3989C>T (p.Pro1330Leu)

Gene: FN1 (fibronectin 1; minus strand). Cytogenetic location: 2q35.
Variant type: single nucleotide variant.
Coding change: c.3989C>T on transcript NM_212482.4 (MANE Select); coding-DNA position 3989, C replaced by T.
Protein change: p.Pro1330Leu; replaces proline 1330 with leucine.
Molecular consequence: missense variant. On other transcripts: intron variant (10).
Genome position (GRCh38, 1-based): chr2:215,393,011, G>A on the plus strand (C>T on the coding strand, the complement: FN1 is on the minus strand). VCF-style: chr2-215393011-G-A. GRCh37 (hg19) VCF-style: chr2-216257734-G-A.
Other names: c.3989C>T, p.Pro1330Leu (NM_001306129.2, NM_001306130.2, NM_001365517.2 and 3 more transcripts); c.3797-1197C>T (NM_212474.3, NM_001306132.2, NM_001365523.2 and 7 more transcripts); short protein forms P1330L.
Identifiers: ClinVar variation 3095950 (VCV003095950.3), dbSNP rs778724784, ClinGen allele CA2094560.
Genomic context (GRCh38, chr2:215,393,011, plus strand): 5'-GTAGGGGCACTCTCGCCGCCATTAATGAGAGTGATAACGCTGATATCATAGTCAATGCCC[G>A]GCTCCAGCCCTGTGACTGTGTAGTATCCTACTGAGGAGTCCACAAAATCTTCAAAAATAG-3'
Protein context (NP_997647.2, residues 1320-1340): VGYYTVTGLE[Pro1330Leu]GIDYDISVIT